The following is an entry in ClinVar:

ClinVar aggregate classification (germline): Uncertain significance (1 of 4 stars; one submission).

Submission:

Ambry Genetics
Classification: Uncertain significance. Last evaluated: 2022-01-01. Review status: criteria provided, single submitter. Criteria: Ambry Variant Classification Scheme 2023. Collection method: clinical testing. Allele origin: germline.
Comment: The p.E42G variant (also known as c.125A>G), located in coding exon 2 of the ALPK2 gene, results from an A to G substitution at nucleotide position 125. The glutamic acid at codon 42 is replaced by glycine, an amino acid with similar properties. This amino acid position is conserved. In addition, the in silico prediction for this alteration is inconclusive. Since supporting evidence is limited at this time, the clinical significance of this alteration remains unclear.

NM_052947.4(ALPK2):c.125A>G (p.Glu42Gly)

Gene: ALPK2 (alpha kinase 2; minus strand). Cytogenetic location: 18q21.32.
Variant type: single nucleotide variant.
Coding change: c.125A>G on transcript NM_052947.4 (MANE Select); coding-DNA position 125, A replaced by G.
Protein change: p.Glu42Gly; replaces glutamic acid 42 with glycine.
Molecular consequence: missense variant.
Genome position (GRCh38, 1-based): chr18:58,607,424, T>C on the plus strand (A>G on the coding strand, the complement: ALPK2 is on the minus strand). VCF-style: chr18-58607424-T-C. GRCh37 (hg19) VCF-style: chr18-56274656-T-C.
Other names: short protein forms E42G.
Identifiers: ClinVar variation 1762651 (VCV001762651.2), dbSNP rs2518913001, ClinGen allele CA402556299.
Genomic context (GRCh38, chr18:58,607,424, plus strand): 5'-TCATAGTTGGAAATAATGCCACTCCCATCGATGGCCTGACCATTCTTATACCAAGTTACC[T>C]CTGGCTTGGGCTGACCTGACAATAAAGAAAGAAAAGTATCCTTATTAGTTTAAGTATTTT-3'
Protein context (NP_443179.3, residues 32-52): RCIISGQPKP[Glu42Gly]VTWYKNGQAI